The following is an entry in ClinVar:

ClinVar aggregate classification (germline): Uncertain significance (1 of 4 stars; one submission).

Allele frequency attached by ClinVar (database versions not stated): TOPMed below 0.00001; ExAC 0.00001; gnomAD exomes 0.00003; ESP Exome Variant Server 0.00008.
gnomAD v4.1: 38 of 1,612,516 alleles (0.0024%); highest among the groups gnomAD compares: Non-Finnish European, 0.0032%; no homozygotes.

Submission:

Labcorp Genetics (formerly Invitae), Labcorp
Classification: Uncertain significance. Last evaluated: 2022-08-21. Review status: criteria provided, single submitter. Criteria: Invitae Variant Classification Sherloc (09022015). Collection method: clinical testing. Allele origin: germline.
Comment: This sequence change falls in intron 12 of the EIF2B5 gene. It does not directly change the encoded amino acid sequence of the EIF2B5 protein. It affects a nucleotide within the consensus splice site. This variant is present in population databases (rs372281670, gnomAD 0.0009%). This variant has not been reported in the literature in individuals affected with EIF2B5-related conditions. Variants that disrupt the consensus splice site are a relatively common cause of aberrant splicing (PMID: 17576681, 9536098). Algorithms developed to predict the effect of sequence changes on RNA splicing suggest that this variant is not likely to affect RNA splicing. In summary, the available evidence is currently insufficient to determine the role of this variant in disease. Therefore, it has been classified as a Variant of Uncertain Significance.

Literature cited by the submitters: PubMed 17576681; PubMed 9536098.

NM_003907.3(EIF2B5):c.1745+6A>G

Gene: EIF2B5 (eukaryotic translation initiation factor 2B subunit epsilon; plus strand). Cytogenetic location: 3q27.1.
Variant type: single nucleotide variant.
Coding change: c.1745+6A>G on transcript NM_003907.3 (MANE Select); 6 bases into the intron after coding-DNA position 1745, A replaced by G.
Molecular consequence: intron variant.
Genome position (GRCh38, 1-based): chr3:184,143,148, A>G. VCF-style: chr3-184143148-A-G. GRCh37 (hg19) VCF-style: chr3-183860936-A-G.
Identifiers: ClinVar variation 1952882 (VCV001952882.2), dbSNP rs372281670, ClinGen allele CA2726796.
Genomic context (GRCh38, chr3:184,143,148, plus strand): 5'-GCAAAGAGGAGAACATTTCTTGTGACAATCTCGTCCTGGAAATCAACTCTCTCAAGTAAG[A>G]GCAGCCCCTCCCTGTTCTCCTCGGGGTGATCCCGGGAAGGTAGAGGCTTTCTCGTAAGTG-3'